The following is an entry in ClinVar:

NM_001367479.1(DNAH14):c.2072A>G (p.Gln691Arg)

Gene: DNAH14 (dynein axonemal heavy chain 14; plus strand). Cytogenetic location: 1q42.12.
Variant type: single nucleotide variant.
Coding change: c.2072A>G on transcript NM_001367479.1 (MANE Select); coding-DNA position 2072, A replaced by G.
Protein change: p.Gln691Arg; replaces glutamine 691 with arginine.
Molecular consequence: missense variant.
Genome position (GRCh38, 1-based): chr1:225,050,369, A>G. VCF-style: chr1-225050369-A-G. GRCh37 (hg19) VCF-style: chr1-225238071-A-G.
Other names: NM_001373.1:c.2072A>G; short protein forms Q691R.
Identifiers: ClinVar variation 3370146 (VCV003370146.1).
Genomic context (GRCh38, chr1:225,050,369, plus strand): 5'-ATAAAGAGCAGACCAGATGGCCAGATTGTCACATCCTTTTTGAAACAGATCCTGCCTACC[A>G]AAATATAGTAAGTTTTAAAACAGTTCATTTTAGGAAATGTTTAAGGAGCAGAAACCCACT-3'
Protein context (NP_001354408.1, residues 681-701): HILFETDPAY[Gln691Arg]NIIVNLLTII

ClinVar aggregate classification (germline): Uncertain significance (1 of 4 stars; one submission).

Submission:

GeneDx
Classification: Uncertain significance. Last evaluated: 2023-12-30. Review status: criteria provided, single submitter. Criteria: GeneDx Variant Classification Process June 2021. Collection method: clinical testing. Allele origin: germline. Affected: yes.
Comment: Not observed at significant frequency in large population cohorts (gnomAD); In silico analysis supports that this missense variant does not alter protein structure/function; Has not been previously published as pathogenic or benign to our knowledge